The following is an entry in ClinVar:

NM_001458.5(FLNC):c.1947C>G (p.Ile649Met)

Gene: FLNC (filamin C; plus strand). Cytogenetic location: 7q32.1.
Variant type: single nucleotide variant.
Coding change: c.1947C>G on transcript NM_001458.5 (MANE Select); coding-DNA position 1947, C replaced by G.
Protein change: p.Ile649Met; replaces isoleucine 649 with methionine.
Molecular consequence: missense variant.
Genome position (GRCh38, 1-based): chr7:128,841,303, C>G. VCF-style: chr7-128841303-C-G. GRCh37 (hg19) VCF-style: chr7-128481357-C-G.
Other names: c.1947C>G, p.Ile649Met (NM_001127487.2); short protein forms I649M.
Identifiers: ClinVar variation 4812641 (VCV004812641.1).

ClinVar aggregate classification (germline): Uncertain significance (1 of 4 stars; one submission).

Conditions:
Hypertrophic cardiomyopathy 26. Also called: Cardiomyopathy, familial hypertrophic, 26. Identifiers: Orphanet 75249, MedGen C4310749, MONDO:0014883, OMIM 617047.
Myofibrillar myopathy 5. Also called: Filaminopathy (type); FILAMINOPATHY, AUTOSOMAL DOMINANT. Identifiers: Orphanet 171445, MedGen C1836050, MONDO:0012289, OMIM 609524.
Distal myopathy with posterior leg and anterior hand involvement. Also called: WILLIAMS DISTAL MYOPATHY. Identifiers: Orphanet 63273, MedGen C3279722, MONDO:0013550, OMIM 614065.

Submission:

Labcorp Genetics (formerly Invitae), Labcorp
Classification: Uncertain significance for Distal myopathy with posterior leg and anterior hand involvement; Myofibrillar myopathy 5; Hypertrophic cardiomyopathy 26. Last evaluated: 2025-03-25. Review status: criteria provided, single submitter. Criteria: Invitae Variant Classification Sherloc (09022015). Collection method: clinical testing. Allele origin: germline.
Comment: This sequence change replaces isoleucine, which is neutral and non-polar, with methionine, which is neutral and non-polar, at codon 649 of the FLNC protein (p.Ile649Met). This variant is not present in population databases (gnomAD no frequency). This variant has not been reported in the literature in individuals affected with FLNC-related conditions. Invitae Evidence Modeling of protein sequence and biophysical properties (such as structural, functional, and spatial information, amino acid conservation, physicochemical variation, residue mobility, and thermodynamic stability) has been performed for this missense variant. However, the output from this modeling did not meet the statistical confidence thresholds required to predict the impact of this variant on FLNC protein function. In summary, the available evidence is currently insufficient to determine the role of this variant in disease. Therefore, it has been classified as a Variant of Uncertain Significance.